The following is an entry in ClinVar:

NC_000009.11:g.(?_98268679)_(98279100_?)dup

Gene: PTCH1 (patched 1; minus strand). Cytogenetic location: 9q22.32.
Variant type: Duplication.
Identifiers: ClinVar variation 1495864 (VCV001495864.7).

ClinVar aggregate classification (germline): Uncertain significance (1 of 4 stars; one submission).

Conditions:
Gorlin syndrome. Also called: Nevoid Basal Cell Carcinoma Syndrome; Basal cell nevus syndrome. Identifiers: Orphanet 377, MedGen C0004779, MONDO:0007187.

Submission:

Labcorp Genetics (formerly Invitae), Labcorp
Classification: Uncertain significance for Gorlin syndrome. Last evaluated: 2021-02-01. Review status: criteria provided, single submitter. Criteria: Invitae Variant Classification Sherloc (09022015). Collection method: clinical testing. Allele origin: germline.
Comment: In summary, the available evidence is currently insufficient to determine the role of this variant in disease. Therefore, it has been classified as a Variant of Uncertain Significance. Experimental studies and prediction algorithms are not available or were not evaluated, and the functional significance of this variant is currently unknown. This variant has not been reported in the literature in individuals with PTCH1-related conditions. This variant results in a copy number gain of the genomic region encompassing exon(s) 1-2 of the PTCH1 gene. This region includes the initiator codon of the gene. The 5' end of this event is unknown as it extends beyond the assayed region for this gene and therefore may encompass additional genes. The 3' boundary is likely confined to intron 2 of the PTCH1 gene. As the precise location of this event is unknown, it may be in tandem or it may be located elsewhere in the genome.